The following is an entry in ClinVar:

ClinVar aggregate classification (germline): Likely benign. Review status: criteria provided, multiple submitters, no conflicts (2 of 4 stars). 2 submissions from 2 submitters: Likely benign (2). Last evaluated 2023-10-06.

Conditions:
Malignant hyperthermia, susceptibility to, 1 (MHS1). Also called: Malignant hyperthermia suceptibility 1; Anesthesia related hyperthermia; Malignant hyperpyrexia; Fulminating hyperpyrexia; Pharmacogenic myopathy; RYR1-Related Malignant Hyperthermia Susceptibility. Identifiers: Orphanet 423, MedGen C2930980, MONDO:0007783, OMIM 145600.
RYR1-related disorder. Also called: RYR1-related disorders; RYR1-related condition. Identifiers: MedGen CN239331.

Allele frequency attached by ClinVar (database versions not stated): gnomAD exomes below 0.00001; ExAC 0.00001.
gnomAD v4.1: 1 of 1,613,802 alleles (0.000062%); highest among the groups gnomAD compares: Admixed American, 0.0017%; no homozygotes.

Submissions (2):

All of Us Research Program, National Institutes of Health
Classification: Likely benign for Malignant hyperthermia, susceptibility to, 1. Last evaluated: 2023-10-06. Review status: criteria provided, single submitter. Criteria: ACMG Guidelines, 2015. Collection method: clinical testing. Allele origin: germline. Inheritance: Autosomal dominant inheritance. Observed: 1 variant allele, 1 heterozygote.
Comment: This study involves interpretation of variants in research participants for the purpose of population health screening. Participant phenotype was not available at the time of variant classification. Additional details can be found in publication PMID: 35346344, PMCID: PMC8962531

Labcorp Genetics (formerly Invitae), Labcorp
Classification: Likely benign for RYR1-related disorder. Last evaluated: 2023-05-23. Review status: criteria provided, single submitter. Criteria: Invitae Variant Classification Sherloc (09022015). Collection method: clinical testing. Allele origin: germline.

NM_000540.3(RYR1):c.5208C>T (p.Pro1736=)

Gene: RYR1 (ryanodine receptor 1; plus strand). Cytogenetic location: 19q13.2.
Variant type: single nucleotide variant.
Coding change: c.5208C>T on transcript NM_000540.3 (MANE Select); coding-DNA position 5208, C replaced by T.
Protein change: p.Pro1736=; no amino-acid change (proline 1736 retained).
Molecular consequence: synonymous variant.
Genome position (GRCh38, 1-based): chr19:38,485,863, C>T. VCF-style: chr19-38485863-C-T. GRCh37 (hg19) VCF-style: chr19-38976503-C-T.
Other names: c.5208C>T, p.Pro1736= (NM_001042723.2).
Identifiers: ClinVar variation 1566310 (VCV001566310.9), dbSNP rs747749981, ClinGen allele CA066777.